The following is an entry in ClinVar:

NM_001008212.2(OPTN):c.1202dup (p.Asn401fs)

Gene: OPTN (optineurin; plus strand). Cytogenetic location: 10p13.
Variant type: Duplication.
Coding change: c.1202dup on transcript NM_001008212.2 (MANE Select); coding-DNA position 1202, one base duplicated (A; older notation c.1202dupA).
Protein change: p.Asn401fs; shifts the reading frame from asparagine 401.
Molecular consequence: frameshift variant.
Genome position (GRCh38, 1-based): chr10:13,125,999, A duplicated; the last of 2 consecutive A bases (chr10:13,125,998-13,125,999); duplicating either gives the same sequence. VCF-style (leftmost placement, unchanged base first): chr10-13125997-T-TA. GRCh37 (hg19) VCF-style: chr10-13167997-T-TA.
Other names: c.1202dup, p.Asn401fs (NM_001008211.1, NM_001008213.1, NM_021980.4); short protein forms N401fs.
Identifiers: ClinVar variation 4791885 (VCV004791885.1).
Genomic context (GRCh38, chr10:13,125,997, plus strand): 5'-TTTTAATAGGTCCAAATTAACTGTGCTACAGATGACACACAACAAGCTTCTTCAAGAACA[T>TA]AATAATGCATTGAAAACAATTGAGGAACTAACAAGAAAAGAGGTATTCACTGAAAAAAAT-3'

ClinVar aggregate classification (germline): Pathogenic (1 of 4 stars; one submission).

Conditions:
Amyotrophic lateral sclerosis type 12 (ALS12). Also called: AMYOTROPHIC LATERAL SCLEROSIS 12 WITH OR WITHOUT FRONTOTEMPORAL DEMENTIA. Identifiers: Orphanet 803, MedGen C3150692, MONDO:0013264, OMIM 613435.
Primary open angle glaucoma (POAG). Also called: OPTN-related open angle glaucoma. Identifiers: MedGen C0339573, MONDO:0100553, OMIM 137760.
Glaucoma 1, open angle, E. Identifiers: MedGen C1842026, MONDO:0007665.

Submission:

Labcorp Genetics (formerly Invitae), Labcorp
Classification: Pathogenic for Primary open angle glaucoma; Glaucoma 1, open angle, E; Amyotrophic lateral sclerosis type 12. Last evaluated: 2025-06-23. Review status: criteria provided, single submitter. Criteria: Invitae Variant Classification Sherloc (09022015). Collection method: clinical testing. Allele origin: germline.
Comment: This sequence change creates a premature translational stop signal (p.Asn401Lysfs*2) in the OPTN gene. It is expected to result in an absent or disrupted protein product. Loss-of-function variants in OPTN are known to be pathogenic (PMID: 20428114). This variant is not present in population databases (gnomAD no frequency). This variant has not been reported in the literature in individuals affected with OPTN-related conditions. Algorithms developed to predict the effect of sequence changes on RNA splicing suggest that this variant may disrupt the consensus splice site. For these reasons, this variant has been classified as Pathogenic.

Literature cited by the submitters: PubMed 20428114.